The following is an entry in ClinVar:

NM_021870.3(FGG):c.400C>T (p.Arg134Ter)

Gene: FGG (fibrinogen gamma chain; minus strand). Cytogenetic location: 4q32.1.
Variant type: single nucleotide variant.
Coding change: c.400C>T on transcript NM_021870.3 (MANE Select); coding-DNA position 400, C replaced by T.
Protein change: p.Arg134Ter; replaces arginine 134 with a stop codon.
Molecular consequence: nonsense.
Genome position (GRCh38, 1-based): chr4:154,611,806, G>A on the plus strand (C>T on the coding strand, the complement: FGG is on the minus strand). VCF-style: chr4-154611806-G-A. GRCh37 (hg19) VCF-style: chr4-155532958-G-A.
Other names: c.400C>T, p.Arg134Ter (NM_000509.6); short protein forms R134*.
Identifiers: ClinVar variation 4747418 (VCV004747418.1).

ClinVar aggregate classification (germline): Pathogenic (1 of 4 stars; one submission).

Submission:

Labcorp Genetics (formerly Invitae), Labcorp
Classification: Pathogenic. Last evaluated: 2025-03-20. Review status: criteria provided, single submitter. Criteria: Invitae Variant Classification Sherloc (09022015). Collection method: clinical testing. Allele origin: germline.
Comment: This sequence change creates a premature translational stop signal (p.Arg134*) in the FGG gene. It is expected to result in an absent or disrupted protein product. Loss-of-function variants in FGG are known to be pathogenic (PMID: 23852822). This variant is present in population databases (rs754001105, gnomAD 0.01%). This premature translational stop signal has been observed in individual(s) with afibrinogenemia (PMID: 15284111). For these reasons, this variant has been classified as Pathogenic.

Literature cited by the submitters: PubMed 23852822; PubMed 15284111.